The following is an entry in ClinVar:

NM_000179.3(MSH6):c.3475T>A (p.Tyr1159Asn)

Gene: MSH6 (mutS homolog 6; plus strand). Cytogenetic location: 2p16.3.
Variant type: single nucleotide variant.
Coding change: c.3475T>A on transcript NM_000179.3 (MANE Select); coding-DNA position 3475, T replaced by A.
Protein change: p.Tyr1159Asn; replaces tyrosine 1159 with asparagine.
Molecular consequence: missense variant.
Genome position (GRCh38, 1-based): chr2:47,804,946, T>A. VCF-style: chr2-47804946-T-A. GRCh37 (hg19) VCF-style: chr2-48032085-T-A.
Other names: c.3307T>A, p.Tyr1103Asn (NM_001406826.1); c.3178T>A, p.Tyr1060Asn (NM_001406827.1, NM_001406828.1, NM_001406830.1 and 10 more transcripts); c.2569T>A, p.Tyr857Asn (NM_001406829.1, NM_001281493.2, NM_001281494.2 and 6 more transcripts); c.256T>A, p.Tyr86Asn (NM_001406831.1); c.322T>A, p.Tyr108Asn (NM_001406832.1); c.1420T>A, p.Tyr474Asn (NM_001407362.1); c.3085T>A, p.Tyr1029Asn (NM_001281492.2); c.3571T>A, p.Tyr1191Asn (NM_001406795.1, NM_001406802.1); and 7 more; short protein forms Y1159N, Y871N, Y108N, Y1103N, Y1161N, Y1191N, Y637N, Y474N.
Identifiers: ClinVar variation 1731778 (VCV001731778.2), dbSNP rs2104505614, ClinGen allele CA346760116.
Genomic context (GRCh38, chr2:47,804,946, plus strand): 5'-GACCTTTTCCTCCCTCATTCACAGGCTGGCTTATTAGCTGTAATGGCCCAGATGGGTTGT[T>A]ACGTCCCTGCTGAAGTGTGCAGGCTCACACCAATTGATAGAGTGTTTACTAGACTTGGTG-3'
Protein context (NP_000170.1, residues 1149-1169): LLAVMAQMGC[Tyr1159Asn]VPAEVCRLTP

ClinVar aggregate classification (germline): Uncertain significance (1 of 4 stars; one submission).

Conditions:
Hereditary cancer-predisposing syndrome. Also called: Neoplastic Syndromes, Hereditary; Tumor predisposition; Hereditary Cancer Syndrome; Hereditary neoplastic syndrome. Identifiers: Orphanet 140162, MedGen C0027672, MeSH D009386, MONDO:0015356.

Submission:

Ambry Genetics
Classification: Uncertain significance for Hereditary cancer-predisposing syndrome. Last evaluated: 2021-12-22. Review status: criteria provided, single submitter. Criteria: Ambry Variant Classification Scheme 2023. Collection method: clinical testing. Allele origin: germline.
Comment: The p.Y1159N variant (also known as c.3475T>A), located in coding exon 6 of the MSH6 gene, results from a T to A substitution at nucleotide position 3475. The tyrosine at codon 1159 is replaced by asparagine, an amino acid with dissimilar properties. This amino acid position is highly conserved in available vertebrate species. In addition, this alteration is predicted to be deleterious by in silico analysis. Since supporting evidence is limited at this time, the clinical significance of this alteration remains unclear.